The following is an entry in ClinVar:

NM_001374736.1(DST):c.3986G>T (p.Arg1329Leu)

Gene: DST (dystonin; minus strand). Cytogenetic location: 6p12.1.
Variant type: single nucleotide variant.
Coding change: c.3986G>T on transcript NM_001374736.1 (MANE Select); coding-DNA position 3986, G replaced by T.
Protein change: p.Arg1329Leu; replaces arginine 1329 with leucine.
Molecular consequence: missense variant.
Genome position (GRCh38, 1-based): chr6:56,631,367, C>A on the plus strand (G>T on the coding strand, the complement: DST is on the minus strand). VCF-style: chr6-56631367-C-A. GRCh37 (hg19) VCF-style: chr6-56496165-C-A.
Other names: c.3887G>T, p.Arg1296Leu (NM_001144769.5); c.3473G>T, p.Arg1158Leu (NM_001144770.2); c.3986G>T, p.Arg1329Leu (NM_001374722.1); c.3353G>T, p.Arg1118Leu (NM_001374729.1, NM_001374730.1, NM_001386100.1 and 1 more transcripts); c.4013G>T, p.Arg1338Leu (NM_001374734.1); c.2375G>T, p.Arg792Leu (NM_001723.7, NM_015548.5); short protein forms R1158L, R1338L, R1118L, R1329L, R792L, R1296L.
Identifiers: ClinVar variation 1735849 (VCV001735849.2), dbSNP rs763518239, ClinGen allele CA3870994.
Genomic context (GRCh38, chr6:56,631,367, plus strand): 5'-GCTGCTTGACTGAAAAACTCCTCACACTTATTTGTGATTGTTCCCAAATCATCTTTAAGT[C>A]GTTCCAGCTCTTTCTTTAGTTTCTATAAAACAGAGAACAAACAAAGGTATCAGGCCATCA-3'
Protein context (NP_001361665.1, residues 1319-1339): EQEKLKKELE[Arg1329Leu]LKDDLGTITN

ClinVar aggregate classification (germline): Uncertain significance (1 of 4 stars; one submission).

Conditions:
Inborn genetic diseases. Identifiers: MedGen C0950123, MeSH D030342.

gnomAD v4.1: 33 of 1,613,834 alleles (0.002%); highest among the groups gnomAD compares: East Asian, 0.071%; no homozygotes.

Submission:

Ambry Genetics
Classification: Uncertain significance for Inborn genetic diseases. Last evaluated: 2021-05-21. Review status: criteria provided, single submitter. Criteria: Ambry Variant Classification Scheme 2023. Collection method: clinical testing. Allele origin: germline.
Comment: The p.R1296L variant (also known as c.3887G>T), located in coding exon 29 of the DST gene, results from a G to T substitution at nucleotide position 3887. The arginine at codon 1296 is replaced by leucine, an amino acid with dissimilar properties. This amino acid position is not well conserved in available vertebrate species. In addition, the in silico prediction for this alteration is inconclusive. Since supporting evidence is limited at this time, the clinical significance of this alteration remains unclear.